The following is an entry in ClinVar:

NM_032564.5(DGAT2):c.171C>T (p.Thr57=)

Gene: DGAT2 (diacylglycerol O-acyltransferase 2; plus strand). Cytogenetic location: 11q13.5.
Variant type: single nucleotide variant.
Coding change: c.171C>T on transcript NM_032564.5 (MANE Select); coding-DNA position 171, C replaced by T.
Protein change: p.Thr57=; no amino-acid change (threonine 57 retained).
Molecular consequence: synonymous variant. On other transcripts: intron variant (1).
Genome position (GRCh38, 1-based): chr11:75,784,667, C>T. VCF-style: chr11-75784667-C-T. GRCh37 (hg19) VCF-style: chr11-75495712-C-T.
Other names: p.Thr57=; c.122-5521C>T (NM_001253891.2).
Identifiers: ClinVar variation 4683654 (VCV004683654.1).

ClinVar aggregate classification (germline): Likely benign (1 of 4 stars; one submission).

gnomAD v4.1: 27 of 1,614,126 alleles (0.0017%); highest among the groups gnomAD compares: South Asian, 0.014%; no homozygotes.

Submission:

Mayo Clinic Laboratories, Mayo Clinic
Classification: Likely benign. Last evaluated: 2025-08-13. Review status: criteria provided, single submitter. Criteria: ACMG Guidelines, 2015. Collection method: clinical testing. Allele origin: germline. Observed: 1 variant allele.
Comment: BP4, BP5, BP7